The following is an entry in ClinVar:

NM_053013.4(ENO3):c.1037_1041dup (p.Gly348fs)

Gene: ENO3 (enolase 3; plus strand). Cytogenetic location: 17p13.2.
Variant type: Duplication.
Coding change: c.1037_1041dup on transcript NM_053013.4 (MANE Select); coding-DNA positions 1037 to 1041, 5 bases duplicated (AGATC; older notation c.1037_1041dupAGATC).
Protein change: p.Gly348fs; shifts the reading frame from glycine 348.
Molecular consequence: frameshift variant.
Genome position (GRCh38, 1-based): chr17:4,956,113-4,956,117, AGATC duplicated; duplicating any 5 consecutive bases within chr17:4,956,112-4,956,117 gives the same sequence; the c. name uses the placement nearest the transcript's 3' end. VCF-style (leftmost placement, unchanged base first): chr17-4956111-C-CCAGAT. GRCh37 (hg19) VCF-style: chr17-4859406-C-CCAGAT.
Other names: NM_053013.4(ENO3):(p.Gly348ArgfsTer5); c.908_912dup, p.Gly305fs (NM_001193503.2); c.1037_1041dup, p.Gly348fs (NM_001374523.1, NM_001976.5); c.1064_1068dup, p.Gly357fs (NM_001374524.1); short protein forms G305fs, G357fs, G348fs.
Identifiers: ClinVar variation 916552 (VCV000916552.3), dbSNP rs1298530904, ClinGen allele CA624629410.

ClinVar aggregate classification (germline): Pathogenic (1 of 4 stars; one submission).

Conditions:
Glycogen storage disease due to muscle beta-enolase deficiency (GSD13). Also called: Glycogen Storage Disease Type XIII; ENOLASE 3 DEFICIENCY; ENOLASE-BETA DEFICIENCY; GSD XIII. Identifiers: Orphanet 99849, MedGen C2752027, MONDO:0013046, OMIM 612932.

Submission:

Center for Computational Genomics and Data Science, University of Alabama
Classification: Pathogenic for Glycogen storage disease due to muscle beta-enolase deficiency. Last evaluated: 2020-04-20. Review status: criteria provided, single submitter. Criteria: ACMG Guidelines, 2015. Collection method: case-control. Allele origin: unknown. Affected: yes. Observed: 1 heterozygote.
Comment: GnomAD v2.1.1 population frequencies detail 2 heterozygous occurrences of this change (1 male, 1 female, both of African descent) out of 282842 genomes and exomes examined. The p.G348Rfs*5 variant has damaging predictions and is well conserved; ENO3 is ranked as slightly intolerant to change.